The following is an entry in ClinVar:

ClinVar aggregate classification (germline): Uncertain significance (1 of 4 stars; one submission).

Submission:

GeneDx
Classification: Uncertain significance. Last evaluated: 2021-04-30. Review status: criteria provided, single submitter. Criteria: GeneDx Variant Classification Process June 2021. Collection method: clinical testing. Allele origin: germline. Affected: yes.
Comment: Not observed in large population cohorts (Lek et al., 2016); Has not been previously published as pathogenic or benign to our knowledge; In-silico analysis, which includes splice predictors and evolutionary conservation, is inconclusive as to whether the variant alters gene splicing. In the absence of RNA/functional studies, the actual effect of this sequence change is unknown.

NM_004699.4(FAM50A):c.901-2dup

Gene: FAM50A (family with sequence similarity 50 member A; plus strand). Cytogenetic location: Xq28.
Variant type: Duplication.
Coding change: c.901-2dup on transcript NM_004699.4 (MANE Select); the canonical splice acceptor site of the intron before coding-DNA position 901, one base duplicated (A; older notation c.901-2dupA).
Molecular consequence: splice acceptor variant.
Genome position (GRCh38, 1-based): chrX:154,450,207, A duplicated. VCF-style (leftmost placement, unchanged base first): chrX-154450206-T-TA. GRCh37 (hg19) VCF-style: chrX-153678554-T-TA.
Identifiers: ClinVar variation 1315622 (VCV001315622.2), dbSNP rs2148234045, ClinGen allele CA2573055174.
Genomic context (GRCh38, chrX:154,450,206, plus strand): 5'-ATGGAGGAGAAGCCAAGGGAAGGGGAGGTCAGCAGGCGGCCCTGTGCCCTCTTCCTCCCT[T>TA]AGTCCCATGCAGGCAAGGTGGTGCTGAGGAGCTGGTACGAGAAGAACAAGCACATCTTTC-3'